The following is an entry in ClinVar:

NM_001130438.3(SPTAN1):c.1949C>T (p.Ala650Val)

Gene: SPTAN1 (spectrin alpha, non-erythrocytic 1; plus strand). Cytogenetic location: 9q34.11.
Variant type: single nucleotide variant.
Coding change: c.1949C>T on transcript NM_001130438.3 (MANE Select); coding-DNA position 1949, C replaced by T.
Protein change: p.Ala650Val; replaces alanine 650 with valine.
Molecular consequence: missense variant.
Genome position (GRCh38, 1-based): chr9:128,583,219, C>T. VCF-style: chr9-128583219-C-T. GRCh37 (hg19) VCF-style: chr9-131345498-C-T.
Other names: c.1949C>T, p.Ala650Val (NM_001195532.2, NM_001363759.2, NM_001363765.2 and 1 more transcripts); short protein forms A650V.
Identifiers: ClinVar variation 392672 (VCV000392672.2), dbSNP rs1057524587, ClinGen allele CA16605515.

ClinVar aggregate classification (germline): Uncertain significance (1 of 4 stars; one submission).

Submission:

GeneDx
Classification: Uncertain significance. Last evaluated: 2017-01-24. Review status: criteria provided, single submitter. Criteria: GeneDx Variant Classification (06012015). Collection method: clinical testing. Allele origin: germline. Affected: yes.
Comment: A variant of uncertain significance has been identified in the SPTAN1 gene. The A650V variant has not been published as a pathogenic variant, nor has it been reported as a benign variant to our knowledge. The A650V variant is not observed in large population cohorts (Lek et al., 2016; 1000 Genomes Consortium et al., 2015; Exome Variant Server). This substitution occurs at a position that is conserved across species. However, the A650V variant is a conservative amino acid substitution, which is not likely to impact secondary protein structure as these residues share similar properties. Additionally, previously reported pathogenic variants in SPTAN1 include in-frame deletions or duplications located within the last four spectrin repeats of the protein, which are essential for dimerization (Saitsu et al., 2010), and the A650 residue is outside this region. In silico analysis is inconsistent in its predictions as to whether or not the variant is damaging to the protein structure/function. Therefore, based on the currently available information, it is unclear whether this variant is a pathogenic variant or a rare benign variant.